The following is an entry in ClinVar:

ClinVar aggregate classification (germline): Uncertain significance (1 of 4 stars; one submission).

Submission:

Labcorp Genetics (formerly Invitae), Labcorp
Classification: Uncertain significance. Last evaluated: 2021-08-07. Review status: criteria provided, single submitter. Criteria: Invitae Variant Classification Sherloc (09022015). Collection method: clinical testing. Allele origin: germline.
Comment: This sequence change replaces alanine with aspartic acid at codon 661 of the KCNQ5 protein (p.Ala661Asp). The alanine residue is weakly conserved and there is a moderate physicochemical difference between alanine and aspartic acid. This variant is not present in population databases (ExAC no frequency). This variant has not been reported in the literature in individuals affected with KCNQ5-related conditions. Advanced modeling of protein sequence and biophysical properties (such as structural, functional, and spatial information, amino acid conservation, physicochemical variation, residue mobility, and thermodynamic stability) performed at Invitae indicates that this missense variant is not expected to disrupt KCNQ5 protein function. In summary, the available evidence is currently insufficient to determine the role of this variant in disease. Therefore, it has been classified as a Variant of Uncertain Significance.

NM_019842.4(KCNQ5):c.1925C>A (p.Ala642Asp)

Gene: KCNQ5 (potassium voltage-gated channel subfamily Q member 5; plus strand). Cytogenetic location: 6q13.
Variant type: single nucleotide variant.
Coding change: c.1925C>A on transcript NM_019842.4 (MANE Select); coding-DNA position 1925, C replaced by A.
Protein change: p.Ala642Asp; replaces alanine 642 with aspartic acid.
Molecular consequence: missense variant.
Genome position (GRCh38, 1-based): chr6:73,194,540, C>A. VCF-style: chr6-73194540-C-A. GRCh37 (hg19) VCF-style: chr6-73904263-C-A.
Other names: c.1898C>A, p.Ala633Asp (NM_001160130.2); c.1955C>A, p.Ala652Asp (NM_001160132.2); c.1982C>A, p.Ala661Asp (NM_001160133.2); c.1595C>A, p.Ala532Asp (NM_001160134.2); short protein forms A633D, A652D, A661D, A532D, A642D.
Identifiers: ClinVar variation 1373085 (VCV001373085.6), dbSNP rs2150527588, ClinGen allele CA364694459.